The following is an entry in ClinVar:

ClinVar aggregate classification (germline): Conflicting classifications of pathogenicity. Review status: criteria provided, conflicting classifications (1 of 4 stars). 4 submissions from 4 submitters: Uncertain significance (1); Benign (2). 1 of the submissions does not count toward it. Last evaluated 2025-08-04.

Conditions:
XIRP2-related disorder. Also called: XIRP2-related condition.

Allele frequency attached by ClinVar (database versions not stated): gnomAD exomes 0.00028 and 0.00079; ExAC 0.00092; ESP Exome Variant Server 0.00228; gnomAD 0.00320 and 0.00339; TOPMed 0.00365; 1000 Genomes Project 30x 0.00515; 1000 Genomes Project 0.00539.
gnomAD v4.1: 931 of 1,614,006 alleles (0.058%); highest among the groups gnomAD compares: African/African-American, 1.1%; 3 homozygotes.

Submissions (4):

Ambry Genetics
Classification: Uncertain significance. Last evaluated: 2025-08-04. Review status: criteria provided, single submitter. Criteria: Ambry Variant Classification Scheme 2023. Collection method: clinical testing. Allele origin: germline.

Labcorp Genetics (formerly Invitae), Labcorp
Classification: Benign. Last evaluated: 2019-12-31. Review status: criteria provided, single submitter. Criteria: Invitae Variant Classification Sherloc (09022015). Collection method: clinical testing. Allele origin: germline.

Breakthrough Genomics
Classification: Benign. Review status: criteria provided, single submitter. Criteria: ACMG Guidelines, 2015. Collection method: not provided. Allele origin: germline. Inheritance: Unknown mechanism. Affected: yes.

PreventionGenetics, part of Exact Sciences
Classification: Benign for XIRP2-related condition. Last evaluated: 2019-12-05. Review status: no assertion criteria provided. Collection method: clinical testing. Allele origin: germline. Not counted in ClinVar's aggregate classification.
Comment: This variant is classified as benign based on ACMG/AMP sequence variant interpretation guidelines (Richards et al. 2015 PMID: 25741868, with internal and published modifications).

NM_152381.6(XIRP2):c.1598G>A (p.Ser533Asn)

Gene: XIRP2 (xin actin binding repeat containing 2; plus strand). Cytogenetic location: 2q24.3.
Variant type: single nucleotide variant.
Coding change: c.1598G>A on transcript NM_152381.6 (MANE Select); coding-DNA position 1598, G replaced by A.
Protein change: p.Ser533Asn; replaces serine 533 with asparagine.
Molecular consequence: missense variant. On other transcripts: intron variant (3).
Genome position (GRCh38, 1-based): chr2:167,242,990, G>A. VCF-style: chr2-167242990-G-A. GRCh37 (hg19) VCF-style: chr2-168099500-G-A.
Other names: c.932G>A, p.Ser311Asn (NM_001199144.2); c.1275+1080G>A (NM_001199143.2); c.1176+1080G>A (NM_001079810.4); c.510+1080G>A (NM_001199145.2); c.1598G>A (NM_152381.5); short protein forms S533N, S311N.
Identifiers: ClinVar variation 783987 (VCV000783987.8), dbSNP rs151314564, ClinGen allele CA1946502.
Genomic context (GRCh38, chr2:167,242,990, plus strand): 5'-TAGAAAAAGATTATATCAGTGAAGTTTCTGAGATTGTTTCTAGTCAAATGAACTCAGGGA[G>A]TTCAGTCTCAGCAGATGTGCAACAAGCCCGGTATGTTTTTGAAAACACAAATGACAGTTC-3'
Protein context (NP_689594.4, residues 523-543): EIVSSQMNSG[Ser533Asn]SVSADVQQAR